The following is an entry in ClinVar:

ClinVar aggregate classification (germline): Pathogenic (1 of 4 stars; one submission).

Conditions:
Dihydropyrimidine dehydrogenase deficiency (DPYDD). Also called: DPD DEFICIENCY; DPYD DEFICIENCY; Hereditary Thymine-Uraciluria. Identifiers: Orphanet 1675, MedGen C1959620, MONDO:0010130, OMIM 274270.

gnomAD v4.1: 1 of 1,614,128 alleles (0.000062%); highest among the groups gnomAD compares: Non-Finnish European, 0.000085%; no homozygotes.

Submission:

Myriad Genetics, Inc.
Classification: Pathogenic for Dihydropyrimidine dehydrogenase deficiency. Last evaluated: 2025-08-07. Review status: criteria provided, single submitter. Criteria: Myriad Autosomal Dominant, Autosomal Recessive and X-Linked Classification Criteria (2023). Collection method: clinical testing. Allele origin: unknown.
Comment: NM_000110.3(DPYD):c.997G>T(G333*) is expected to be pathogenic in the context of dihydropyrimidine dehydrogenase deficiency. This variant is predicted to lead to an abnormal or absent protein product due to the creation of a premature termination codon in DPYD, a gene where loss-of-function variants are known to be pathogenic. Please note: this variant was assessed in the context of healthy population screening.

NM_000110.4(DPYD):c.997G>T (p.Gly333Ter)

Gene: DPYD (dihydropyrimidine dehydrogenase; minus strand). Cytogenetic location: 1p21.3.
Variant type: single nucleotide variant.
Coding change: c.997G>T on transcript NM_000110.4 (MANE Select); coding-DNA position 997, G replaced by T.
Protein change: p.Gly333Ter; replaces glycine 333 with a stop codon.
Molecular consequence: nonsense.
Genome position (GRCh38, 1-based): chr1:97,593,349, C>A on the plus strand (G>T on the coding strand, the complement: DPYD is on the minus strand). VCF-style: chr1-97593349-C-A. GRCh37 (hg19) VCF-style: chr1-98058905-C-A.
Other names: short protein forms G333*.
Identifiers: ClinVar variation 5015524 (VCV005015524.1).